The following is an entry in ClinVar:

NM_004822.3(NTN1):c.117T>C (p.Asp39=)

Gene: NTN1 (netrin 1; plus strand). Cytogenetic location: 17p13.1.
Variant type: single nucleotide variant.
Coding change: c.117T>C on transcript NM_004822.3 (MANE Select); coding-DNA position 117, T replaced by C.
Protein change: p.Asp39=; no amino-acid change (aspartic acid 39 retained).
Molecular consequence: synonymous variant.
Genome position (GRCh38, 1-based): chr17:9,022,490, T>C. VCF-style: chr17-9022490-T-C. GRCh37 (hg19) VCF-style: chr17-8925807-T-C.
Identifiers: ClinVar variation 3030655 (VCV003030655.2), dbSNP rs753601647, ClinGen allele CA8380962.

ClinVar aggregate classification (germline): Likely benign (0 of 4 stars; one submission).

Conditions:
NTN1-related disorder. Also called: NTN1-related condition.

Allele frequency attached by ClinVar (database versions not stated): gnomAD 0.00001; TOPMed 0.00002; gnomAD exomes 0.00003; ExAC 0.00022.
gnomAD v4.1: 46 of 1,539,282 alleles (0.003%); highest among the groups gnomAD compares: Non-Finnish European, 0.00035%; no homozygotes.

Submission:

PreventionGenetics, part of Exact Sciences
Classification: Likely benign for NTN1-related condition. Last evaluated: 2023-04-17. Review status: no assertion criteria provided. Collection method: clinical testing. Allele origin: germline.
Comment: This variant is classified as likely benign based on ACMG/AMP sequence variant interpretation guidelines (Richards et al. 2015 PMID: 25741868, with internal and published modifications).